The following is an entry in ClinVar:

ClinVar aggregate classification (germline): Uncertain significance (1 of 4 stars; one submission).

Submission:

Labcorp Genetics (formerly Invitae), Labcorp
Classification: Uncertain significance. Last evaluated: 2023-03-04. Review status: criteria provided, single submitter. Criteria: Invitae Variant Classification Sherloc (09022015). Collection method: clinical testing. Allele origin: germline.
Comment: In summary, the available evidence is currently insufficient to determine the role of this variant in disease. Therefore, it has been classified as a Variant of Uncertain Significance. Variants that disrupt the consensus splice site are a relatively common cause of aberrant splicing (PMID: 17576681, 9536098). Algorithms developed to predict the effect of sequence changes on RNA splicing suggest that this variant is not likely to affect RNA splicing. This variant has not been reported in the literature in individuals affected with VCAN-related conditions. This variant is not present in population databases (gnomAD no frequency). This sequence change falls in intron 8 of the VCAN gene. It does not directly change the encoded amino acid sequence of the VCAN protein. It affects a nucleotide within the consensus splice site.

Literature cited by the submitters: PubMed 17576681; PubMed 9536098.

NM_004385.5(VCAN):c.9265+5G>A

Genes: VCAN (versican; plus strand), VCAN-AS1 (VCAN antisense RNA 1; minus strand). Cytogenetic location: 5q14.3.
Variant type: single nucleotide variant.
Coding change: c.9265+5G>A on transcript NM_004385.5 (MANE Select); 5 bases into the intron after coding-DNA position 9265, G replaced by A.
Molecular consequence: intron variant.
Genome position (GRCh38, 1-based): chr5:83,542,273, G>A. VCF-style: chr5-83542273-G-A. GRCh37 (hg19) VCF-style: chr5-82838092-G-A.
Other names: c.4004-3264G>A (NM_001164098.2); c.6304+5G>A (NM_001164097.2); c.1043-3264G>A (NM_001126336.3).
Identifiers: ClinVar variation 2843099 (VCV002843099.3), dbSNP rs2479126984, ClinGen allele CA2739274911.